The following is an entry in ClinVar:

NM_001048174.2(MUTYH):c.50C>T (p.Ala17Val)

Gene: MUTYH (mutY DNA glycosylase; minus strand). Cytogenetic location: 1p34.1.
Variant type: single nucleotide variant.
Coding change: c.50C>T on transcript NM_001048174.2 (MANE Select); coding-DNA position 50, C replaced by T.
Protein change: p.Ala17Val; replaces alanine 17 with valine.
Molecular consequence: missense variant. On other transcripts: 5 prime UTR variant (7), non-coding transcript variant (7).
Genome position (GRCh38, 1-based): chr1:45,334,456, G>A on the plus strand (C>T on the coding strand, the complement: MUTYH is on the minus strand). VCF-style: chr1-45334456-G-A. GRCh37 (hg19) VCF-style: chr1-45800128-G-A.
Other names: c.50C>T, p.Ala17Val (NM_001048171.2, NM_001048172.2, NM_001048173.2 and 15 more transcripts); c.92C>T, p.Ala31Val (NM_001128425.2, NM_001293190.2, NM_001407069.1 and 2 more transcripts); c.-163C>T (NM_001293192.2, NM_001293196.2, NM_001407091.1); c.-222C>T (NM_001350650.2); c.-158C>T (NM_001350651.2, NM_001407082.1); c.-107C>T (NM_001407075.1); c.68C>T, p.Ala23Val (NM_001407087.1); short protein forms A23V, A17V, A31V.
Identifiers: ClinVar variation 4113916 (VCV004113916.1).
Genomic context (GRCh38, chr1:45,334,456, plus strand): 5'-CAGGCAGAAGGCTTGGCCTGACTGTTGTTCTTAGCATGCTTCTGCCTCCCTTCCTGGCTG[G>A]CTGCCTGCTTCCTGTGACCACTTCCCACGGCTGCTCGTGGCTTCCTCATGATGGCCTGAA-3'
Protein context (NP_001041639.1, residues 7-27): AVGSGHRKQA[Ala17Val]SQEGRQKHAK

ClinVar aggregate classification (germline): Uncertain significance (1 of 4 stars; one submission).

Conditions:
Hereditary cancer-predisposing syndrome. Also called: Hereditary neoplastic syndrome; Neoplastic Syndromes, Hereditary; Tumor predisposition; Hereditary Cancer Syndrome. Identifiers: Orphanet 140162, MedGen C0027672, MeSH D009386, MONDO:0015356.

Submission:

Ambry Genetics
Classification: Uncertain significance for Hereditary cancer-predisposing syndrome. Last evaluated: 2025-08-27. Review status: criteria provided, single submitter. Criteria: Ambry Variant Classification Scheme 2023. Collection method: clinical testing. Allele origin: germline.
Comment: The p.A31V variant (also known as c.92C>T), located in coding exon 2 of the MUTYH gene, results from a C to T substitution at nucleotide position 92. The alanine at codon 31 is replaced by valine, an amino acid with similar properties. This amino acid position is conserved. In addition, this alteration is predicted to be tolerated by in silico analysis. Based on the available evidence, the clinical significance of this variant remains unclear.